The following is an entry in ClinVar:

ClinVar aggregate classification (germline): Uncertain significance (1 of 4 stars; one submission).

Conditions:
Hereditary breast ovarian cancer syndrome. Also called: Breast and ovarian cancer; BRCA1- and BRCA2-Associated Hereditary Breast and Ovarian Cancer; Hereditary breast and ovarian cancer; Hereditary breast and ovarian cancer syndrome (HBOC); Hereditary breast and/or ovarian cancer syndrome; Hereditary breast and ovarian cancer syndrome. Identifiers: Orphanet 145, MedGen C0677776, MeSH D061325, MONDO:0003582. Disease mechanism: loss of function.

Submission:

Labcorp Genetics (formerly Invitae), Labcorp
Classification: Uncertain significance for Hereditary breast ovarian cancer syndrome. Last evaluated: 2025-11-13. Review status: criteria provided, single submitter. Criteria: Invitae Variant Classification Sherloc (09022015). Collection method: clinical testing. Allele origin: germline.
Comment: This sequence change replaces lysine, which is basic and polar, with arginine, which is basic and polar, at codon 739 of the BRCA1 protein (p.Lys739Arg). This variant is not present in population databases (gnomAD no frequency). This variant has not been reported in the literature in individuals affected with BRCA1-related conditions. Invitae Evidence Modeling of protein sequence and biophysical properties (such as structural, functional, and spatial information, amino acid conservation, physicochemical variation, residue mobility, and thermodynamic stability) indicates that this missense variant is not expected to disrupt BRCA1 protein function with a negative predictive value of 80%. In summary, the available evidence is currently insufficient to determine the role of this variant in disease. Therefore, it has been classified as a Variant of Uncertain Significance.

NM_007294.4(BRCA1):c.2216A>G (p.Lys739Arg)

Gene: BRCA1 (BRCA1 DNA repair associated; minus strand). Cytogenetic location: 17q21.31.
Variant type: single nucleotide variant.
Coding change: c.2216A>G on transcript NM_007294.4 (MANE Select); coding-DNA position 2216, A replaced by G.
Protein change: p.Lys739Arg; replaces lysine 739 with arginine.
Molecular consequence: missense variant. On other transcripts: intron variant (137).
Genome position (GRCh38, 1-based): chr17:43,093,315, T>C on the plus strand (A>G on the coding strand, the complement: BRCA1 is on the minus strand). VCF-style: chr17-43093315-T-C. GRCh37 (hg19) VCF-style: chr17-41245332-T-C.
Other names: c.2003A>G, p.Lys668Arg (NM_001407571.1, NM_001407853.1, NM_001407894.1 and 9 more transcripts); c.2216A>G, p.Lys739Arg (NM_001407581.1, NM_001407582.1, NM_001407583.1 and 30 more transcripts); c.2213A>G, p.Lys738Arg (NM_001407587.1, NM_001407590.1, NM_001407591.1 and 22 more transcripts); c.2207A>G, p.Lys736Arg (NM_001407646.1, NM_001407647.1); c.2093A>G, p.Lys698Arg (NM_001407648.1, NM_001407664.1, NM_001407665.1 and 19 more transcripts); c.2090A>G, p.Lys697Arg (NM_001407649.1, NM_001407670.1, NM_001407671.1 and 11 more transcripts); c.2138A>G, p.Lys713Arg (NM_001407653.1, NM_001407654.1, NM_001407655.1 and 4 more transcripts); c.2135A>G, p.Lys712Arg (NM_001407659.1, NM_001407660.1, NM_001407661.1 and 1 more transcripts); and 41 more; short protein forms K571R, K612R, K628R, K650R, K651R, K668R, K692R, K713R.
Identifiers: ClinVar variation 4763100 (VCV004763100.1).
Genomic context (GRCh38, chr17:43,093,315, plus strand): 5'-TGCAAAACCCTTTCTCCACTTAACATGAGATCTTTGGGGTCTTCAGCATTATTAGACACT[T>C]TAACTGTTTCTAGTTTCTCTTCTTTTTCTTCTCTTGGAAGGCTAGGATTGACAAATTCTT-3'
Protein context (NP_009225.1, residues 729-749): EEKEEKLETV[Lys739Arg]VSNNAEDPKD